The following is an entry in ClinVar:

NM_001957.4(EDNRA):c.902G>A (p.Arg301His)

Gene: EDNRA (endothelin receptor type A; plus strand). Cytogenetic location: 4q31.23.
Variant type: single nucleotide variant.
Coding change: c.902G>A on transcript NM_001957.4 (MANE Select); coding-DNA position 902, G replaced by A.
Protein change: p.Arg301His; replaces arginine 301 with histidine.
Molecular consequence: missense variant. On other transcripts: non-coding transcript variant (3).
Genome position (GRCh38, 1-based): chr4:147,539,818, G>A. VCF-style: chr4-147539818-G-A. GRCh37 (hg19) VCF-style: chr4-148460970-G-A.
Other names: c.575G>A, p.Arg192His (NM_001166055.2); short protein forms R192H, R301H.
Identifiers: ClinVar variation 4797915 (VCV004797915.1).
Genomic context (GRCh38, chr4:147,539,818, plus strand): 5'-TTGCATCTAGTATAAAAACACTAAATTTGTTGTCCTATTTTTTTCTCACTTTCCTTTAGC[G>A]TCGAGAAGTGGCAAAAACAGTTTTCTGCTTGGTTGTAATTTTTGCTCTTTGCTGGTTCCC-3'
Protein context (NP_001948.1, residues 291-311): RIALSEHLKQ[Arg301His]REVAKTVFCL

ClinVar aggregate classification (germline): Uncertain significance (1 of 4 stars; one submission).

gnomAD v4.1: 4 of 1,606,818 alleles (0.00025%); highest among the groups gnomAD compares: South Asian, 0.0011%; no homozygotes.

Submission:

Labcorp Genetics (formerly Invitae), Labcorp
Classification: Uncertain significance. Last evaluated: 2025-09-24. Review status: criteria provided, single submitter. Criteria: Invitae Variant Classification Sherloc (09022015). Collection method: clinical testing. Allele origin: germline.
Comment: This sequence change replaces arginine, which is basic and polar, with histidine, which is basic and polar, at codon 301 of the EDNRA protein (p.Arg301His). This variant is present in population databases (rs750171725, gnomAD 0.004%). This variant has not been reported in the literature in individuals affected with EDNRA-related conditions. An algorithm developed to predict the effect of missense changes on protein structure and function (PolyPhen-2) suggests that this variant is likely to be disruptive. In summary, the available evidence is currently insufficient to determine the role of this variant in disease. Therefore, it has been classified as a Variant of Uncertain Significance.